The following is an entry in ClinVar:

NM_004364.5(CEBPA):c.852G>T (p.Glu284Asp)

Gene: CEBPA (CCAAT enhancer binding protein alpha; minus strand). Cytogenetic location: 19q13.11.
Variant type: single nucleotide variant.
Coding change: c.852G>T on transcript NM_004364.5 (MANE Select); coding-DNA position 852, G replaced by T.
Protein change: p.Glu284Asp; replaces glutamic acid 284 with aspartic acid.
Molecular consequence: missense variant.
Genome position (GRCh38, 1-based): chr19:33,301,563, C>A on the plus strand (G>T on the coding strand, the complement: CEBPA is on the minus strand). VCF-style: chr19-33301563-C-A. GRCh37 (hg19) VCF-style: chr19-33792469-C-A.
Other names: c.495G>T, p.Glu165Asp (NM_001285829.2); c.957G>T, p.Glu319Asp (NM_001287424.2); c.810G>T, p.Glu270Asp (NM_001287435.2); c.852G>T (NM_004364.3); short protein forms E284D, E319D, E165D, E270D.
Identifiers: ClinVar variation 1387647 (VCV001387647.9), dbSNP rs376856647, ClinGen allele CA405274072.

ClinVar aggregate classification (germline): Uncertain significance. Review status: criteria provided, multiple submitters, no conflicts (2 of 4 stars). 2 submissions from 2 submitters: Uncertain significance (2). Last evaluated 2026-07-29.

Conditions:
Acute myeloid leukemia (AML). Also called: Leukemia, acute myeloid, somatic; Leukemia, acute myelogenous, somatic; Acute myeloid leukemia, adult; AML adult; Acute non-lymphocytic leukemia; Acute granulocytic leukemia. Identifiers: Orphanet 519, MedGen C0023467, MeSH D015470, MONDO:0018874, OMIM 601626, HP:0004808. Disease mechanism: Constitutively activated FLT3.
Inborn genetic diseases. Identifiers: MedGen C0950123, MeSH D030342.

gnomAD v4.1: 1 of 1,612,826 alleles (0.000062%); highest among the groups gnomAD compares: Non-Finnish European, 0.000085%; no homozygotes.

Submissions (2):

Ambry Genetics
Classification: Uncertain significance for Inborn genetic diseases. Last evaluated: 2026-07-29. Review status: criteria provided, single submitter. Criteria: Ambry Variant Classification Scheme 2023. Collection method: clinical testing. Allele origin: germline.
Comment: The p.E284D variant (also known as c.852G>T), located in coding exon 1 of the CEBPA gene, results from a G to T substitution at nucleotide position 852. The glutamic acid at codon 284 is replaced by aspartic acid, an amino acid with highly similar properties. This amino acid position is highly conserved in available vertebrate species. In addition, this alteration is predicted to be tolerated by in silico analysis. Based on the available evidence, the clinical significance of this variant remains unclear.

Labcorp Genetics (formerly Invitae), Labcorp
Classification: Uncertain significance for Acute myeloid leukemia. Last evaluated: 2023-08-20. Review status: criteria provided, single submitter. Criteria: Invitae Variant Classification Sherloc (09022015). Collection method: clinical testing. Allele origin: germline.
Comment: In summary, the available evidence is currently insufficient to determine the role of this variant in disease. Therefore, it has been classified as a Variant of Uncertain Significance. Advanced modeling of protein sequence and biophysical properties (such as structural, functional, and spatial information, amino acid conservation, physicochemical variation, residue mobility, and thermodynamic stability) performed at Invitae indicates that this missense variant is expected to disrupt CEBPA protein function. ClinVar contains an entry for this variant (Variation ID: 1387647). This variant has not been reported in the literature in individuals affected with CEBPA-related conditions. This variant is not present in population databases (gnomAD no frequency). This sequence change replaces glutamic acid, which is acidic and polar, with aspartic acid, which is acidic and polar, at codon 284 of the CEBPA protein (p.Glu284Asp).